The following is an entry in ClinVar:

NM_004168.4(SDHA):c.565T>C (p.Cys189Arg)

Gene: SDHA (succinate dehydrogenase complex flavoprotein subunit A; plus strand). Cytogenetic location: 5p15.33.
Variant type: single nucleotide variant.
Coding change: c.565T>C on transcript NM_004168.4 (MANE Select); coding-DNA position 565, T replaced by C.
Protein change: p.Cys189Arg; replaces cysteine 189 with arginine.
Molecular consequence: missense variant.
Genome position (GRCh38, 1-based): chr5:225,991, T>C. VCF-style: chr5-225991-T-C. GRCh37 (hg19) VCF-style: chr5-226106-T-C.
Other names: c.421T>C, p.Cys141Arg (NM_001294332.2); c.565T>C, p.Cys189Arg (NM_001330758.2); short protein forms C141R, C189R.
Identifiers: ClinVar variation 1011281 (VCV001011281.7), dbSNP rs1734996495, ClinGen allele CA359010443.

ClinVar aggregate classification (germline): Uncertain significance (1 of 4 stars; one submission).

Conditions:
Mitochondrial complex II deficiency, nuclear type 1. Also called: SUCCINATE CoQ REDUCTASE DEFICIENCY. Identifiers: Orphanet 3208, MedGen C5700310, MONDO:0100294, OMIM 252011.
Pheochromocytoma/paraganglioma syndrome 5. Also called: Paragangliomas 5; SDHA-Related Hereditary Paraganglioma-Pheochromocytoma Syndrome. Identifiers: Orphanet 29072, MedGen C3279992, MONDO:0013602, OMIM 614165.

Submission:

Labcorp Genetics (formerly Invitae), Labcorp
Classification: Uncertain significance for Pheochromocytoma/paraganglioma syndrome 5; Mitochondrial complex II deficiency, nuclear type 1. Last evaluated: 2024-11-21. Review status: criteria provided, single submitter. Criteria: Invitae Variant Classification Sherloc (09022015). Collection method: clinical testing. Allele origin: germline.
Comment: This sequence change replaces cysteine, which is neutral and slightly polar, with arginine, which is basic and polar, at codon 189 of the SDHA protein (p.Cys189Arg). This variant is not present in population databases (gnomAD no frequency). This variant has not been reported in the literature in individuals affected with SDHA-related conditions. ClinVar contains an entry for this variant (Variation ID: 1011281). Invitae Evidence Modeling of protein sequence and biophysical properties (such as structural, functional, and spatial information, amino acid conservation, physicochemical variation, residue mobility, and thermodynamic stability) has been performed for this missense variant. However, the output from this modeling did not meet the statistical confidence thresholds required to predict the impact of this variant on SDHA protein function. In summary, the available evidence is currently insufficient to determine the role of this variant in disease. Therefore, it has been classified as a Variant of Uncertain Significance.